The following is an entry in ClinVar:

ClinVar aggregate classification (germline): Pathogenic. Review status: criteria provided, multiple submitters, no conflicts (2 of 4 stars). 3 submissions from 3 submitters: Pathogenic (3). Last evaluated 2024-06-07.

Conditions:
Mucopolysaccharidosis, MPS-II (MPS2). Also called: Attenuated MPS (subtype; formerly known as mild MPS II); Severe MPS II; I2S deficiency; MPS 2; Hunter Syndrome; Mucopolysaccharidosis with skin involvement. Identifiers: Orphanet 580, Orphanet 79388, MedGen C0026705, MONDO:0010674, OMIM 309900.

Submissions (3):

Laboratory of Diagnosis and Therapy of Lysosomal Disorders, University of Padova
Classification: Pathogenic for Mucopolysaccharidosis, MPS-II. Last evaluated: 2024-06-07. Review status: criteria provided, single submitter. Criteria: ACMG Guidelines, 2015. Collection method: literature only. Allele origin: germline. Affected: yes. Observed: 1 variant allele.
Comment: Null variant (PVS1_VeryStrong), In vitro or in vivo functional studies supportive of a damaging effect (PS3_Moderate), Absent from controls (or at low frequency) in gnomAD database (PM2_Moderate), Patient’s phenotype or family history highly specific for the disease (PP4_Moderate)

Classification method: ACMG Guidelines [PMID:25741868] with modifications

Revvity Omics, Revvity
Classification: Pathogenic for Mucopolysaccharidosis, MPS-II. Last evaluated: 2023-01-09. Review status: criteria provided, single submitter. Criteria: ACMG Guidelines, 2015. Collection method: clinical testing. Allele origin: germline.

Neuberg Centre For Genomic Medicine, NCGM
Classification: Pathogenic for Mucopolysaccharidosis, MPS-II. Review status: criteria provided, single submitter. Criteria: ACMG Guidelines, 2015. Collection method: clinical testing. Allele origin: germline. Inheritance: X-linked inheritance. Affected: yes.
Comment: The IDS c.241C>T variant has been reported in hemizygous state in individuals affected with Mucopolysaccharidosis II (Wraith et. al., 2008). Experimental studies have shown possible use of antisense oligonucleotide therapy for redirecting abnormal pre-mRNA splicing in the IDS gene (Liliana et. al., 2015). The c.241C>T variant is novel (not in any individuals) in gnomAD Exomes and 1000 Genomes. This variant has not been reported to the ClinVar database. This variant is predicted to cause loss of normal protein function through protein truncation. Loss of function variants have been previously reported to be disease causing. For these reasons, this variant has been classified as Pathogenic.

Literature cited by the submitters: PubMed 24125893 (cited by Laboratory of Diagnosis and Therapy of Lysosomal Disorders, University of Padova).

NM_000202.8(IDS):c.241C>T (p.Gln81Ter)

Gene: IDS (iduronate 2-sulfatase; minus strand). Cytogenetic location: Xq28.
Variant type: single nucleotide variant.
Coding change: c.241C>T on transcript NM_000202.8 (MANE Select); coding-DNA position 241, C replaced by T.
Protein change: p.Gln81Ter; replaces glutamine 81 with a stop codon.
Molecular consequence: nonsense. On other transcripts: non-coding transcript variant (1), intron variant (1).
Genome position (GRCh38, 1-based): chrX:149,503,489, G>A on the plus strand (C>T on the coding strand, the complement: IDS is on the minus strand). VCF-style: chrX-149503489-G-A. GRCh37 (hg19) VCF-style: chrX-148585019-G-A.
Other names: c.241C>T, p.Gln81Ter (NM_006123.5); c.15-44C>T (NM_001166550.4); short protein forms Q81*.
Identifiers: ClinVar variation 2436768 (VCV002436768.6), dbSNP rs2520897240, ClinGen allele CA414527009.
Genomic context (GRCh38, chrX:149,503,489, plus strand): 5'-GGGTGGTGTCAGGTCTCCTGCCAGTGAGGAAAGAAACGCGGCTCGGGGCGCACACTGCTT[G>A]CTGTTAGGGAGCAGAAGCAGAGGTAAGCATCGCCACAGCAAAACATGTCTGCCATCTCTT-3'